The following is an entry in ClinVar:

ClinVar aggregate classification (germline): Pathogenic (1 of 4 stars; one submission).

Conditions:
Spermatogenic failure 18. Identifiers: MedGen C4539783, MONDO:0054615, OMIM 617576.

Submission:

Juno Genomics, Hangzhou Juno Genomics, Inc
Classification: Pathogenic for Spermatogenic failure 18. Review status: criteria provided, single submitter. Criteria: ACMG Guidelines, 2015. Collection method: clinical testing. Allele origin: germline. Affected: yes.
Comment: Null variant in a gene where loss of function (LOF) is a known mechanism of disease.;Absent from controls (or at extremely low frequency if recessive) in Genome Aggregation Database, Exome Sequencing Project, 1000 Genomes Project, or Exome Aggregation Consortium.;Patient's phenotype or family history is highly specific for a disease with a single genetic etiology.

NM_015512.5(DNAH1):c.4778dup (p.Asp1593fs)

Gene: DNAH1 (dynein axonemal heavy chain 1; plus strand). Cytogenetic location: 3p21.1.
Variant type: Duplication.
Coding change: c.4778dup on transcript NM_015512.5 (MANE Select); coding-DNA position 4778, one base duplicated (A; older notation c.4778dupA).
Protein change: p.Asp1593fs; shifts the reading frame from aspartic acid 1593.
Molecular consequence: frameshift variant.
Genome position (GRCh38, 1-based): chr3:52,361,256, A duplicated. VCF-style (leftmost placement, unchanged base first): chr3-52361255-G-GA. GRCh37 (hg19) VCF-style: chr3-52395271-G-GA.
Other names: short protein forms D1593fs.
Identifiers: ClinVar variation 3382031 (VCV003382031.2).